The following is an entry in ClinVar:

ClinVar aggregate classification (germline): Conflicting classifications of pathogenicity. Review status: criteria provided, conflicting classifications (1 of 4 stars). 3 submissions from 3 submitters: Uncertain significance (2); Likely benign (1). Last evaluated 2024-10-23.

Allele frequency attached by ClinVar (database versions not stated): gnomAD exomes below 0.00001 and 0.00001; gnomAD 0.00001; TOPMed 0.00002.

Submissions (3):

Labcorp Genetics (formerly Invitae), Labcorp
Classification: Uncertain significance. Last evaluated: 2024-10-23. Review status: criteria provided, single submitter. Criteria: Invitae Variant Classification Sherloc (09022015). Collection method: clinical testing. Allele origin: germline.
Comment: This sequence change replaces phenylalanine, which is neutral and non-polar, with leucine, which is neutral and non-polar, at codon 186 of the CD81 protein (p.Phe186Leu). This variant is present in population databases (no rsID available, gnomAD 0.008%). This variant has not been reported in the literature in individuals affected with CD81-related conditions. ClinVar contains an entry for this variant (Variation ID: 806600). An algorithm developed to predict the effect of missense changes on protein structure and function outputs the following: PolyPhen-2: "Benign". The leucine amino acid residue is found in multiple mammalian species, which suggests that this missense change does not adversely affect protein function. Experimental studies have shown that this missense change affects CD81 function (PMID: 10846074). In summary, the available evidence is currently insufficient to determine the role of this variant in disease. Therefore, it has been classified as a Variant of Uncertain Significance.

Blueprint Genetics
Classification: Likely benign. Last evaluated: 2024-06-19. Review status: criteria provided, single submitter. Criteria: ACMG Guidelines, 2015. Collection method: clinical testing. Allele origin: germline.

CeGaT Center for Human Genetics Tuebingen
Classification: Uncertain significance. Last evaluated: 2018-10-01. Review status: criteria provided, single submitter. Criteria: CeGaT Center For Human Genetics Tuebingen Variant Classification Criteria Version 2. Collection method: clinical testing. Allele origin: germline. Affected: yes. Observed: 1 variant allele.

Literature cited by the submitters: PubMed 10846074 (cited by Labcorp Genetics (formerly Invitae), Labcorp).

NM_004356.4(CD81):c.556T>C (p.Phe186Leu)

Gene: CD81 (CD81 molecule; plus strand). Cytogenetic location: 11p15.5.
Variant type: single nucleotide variant.
Coding change: c.556T>C on transcript NM_004356.4 (MANE Select); coding-DNA position 556, T replaced by C.
Protein change: p.Phe186Leu; replaces phenylalanine 186 with leucine.
Molecular consequence: missense variant.
Genome position (GRCh38, 1-based): chr11:2,395,965, T>C. VCF-style: chr11-2395965-T-C. GRCh37 (hg19) VCF-style: chr11-2417195-T-C.
Other names: c.343T>C, p.Phe115Leu (NM_001297649.2); short protein forms F186L, F115L.
Identifiers: ClinVar variation 806600 (VCV000806600.45), dbSNP rs1023764810, ClinGen allele CA216293982.